The following is an entry in ClinVar:

ClinVar aggregate classification (germline): Conflicting classifications of pathogenicity. Review status: criteria provided, conflicting classifications (1 of 4 stars). 2 submissions from 2 submitters: Uncertain significance (1); Likely benign (1). Last evaluated 2026-07-23.

Conditions:
BBS1-related disorder. Also called: BBS1-related condition.
Bardet-Biedl syndrome (BBS). Identifiers: Orphanet 110, MedGen C0752166, MONDO:0015229.

Allele frequency attached by ClinVar (database versions not stated): TOPMed below 0.00001; gnomAD exomes 0.00002 and 0.00003; ExAC 0.00004.
gnomAD v4.1: 15 of 1,614,206 alleles (0.00093%); highest among the groups gnomAD compares: Non-Finnish European, 0.0013%; no homozygotes.

Submissions (2):

PreventionGenetics, part of Exact Sciences
Classification: Uncertain significance for BBS1-related condition. Last evaluated: 2026-07-23. Review status: criteria provided, single submitter. Criteria: ACMG Guidelines, 2015. Collection method: clinical testing. Allele origin: germline.
Comment: The BBS1 c.253C>T variant is not predicted to result in an amino acid change (p.=). This variant is predicted to alter splicing based on available splicing prediction programs (SpliceAI, Jaganathan et al. 2019. PubMed ID: 30661751). To our knowledge, this variant has not been reported in the literature. This variant is reported in 0.0044% of alleles in individuals of European (Non-Finnish) descent in gnomAD. This variant is interpreted as likely benign.

Labcorp Genetics (formerly Invitae), Labcorp
Classification: Likely benign for Bardet-Biedl syndrome. Last evaluated: 2026-01-20. Review status: criteria provided, single submitter. Criteria: Invitae Variant Classification Sherloc (09022015). Collection method: clinical testing. Allele origin: germline.

NM_024649.5(BBS1):c.253C>T (p.Leu85=)

Gene: BBS1 (Bardet-Biedl syndrome 1; plus strand). Cytogenetic location: 11q13.2.
Variant type: single nucleotide variant.
Coding change: c.253C>T on transcript NM_024649.5 (MANE Select); coding-DNA position 253, C replaced by T.
Protein change: p.Leu85=; no amino-acid change (leucine 85 retained).
Molecular consequence: synonymous variant.
Genome position (GRCh38, 1-based): chr11:66,514,499, C>T. VCF-style: chr11-66514499-C-T. GRCh37 (hg19) VCF-style: chr11-66281970-C-T.
Identifiers: ClinVar variation 756199 (VCV000756199.11), dbSNP rs748727758, ClinGen allele CA6123296.